The following is an entry in ClinVar:

ClinVar aggregate classification (germline): Uncertain significance (1 of 4 stars; one submission).

Conditions:
Inborn genetic diseases. Identifiers: MedGen C0950123, MeSH D030342.

Submission:

Ambry Genetics
Classification: Uncertain significance for Inborn genetic diseases. Last evaluated: 2026-07-16. Review status: criteria provided, single submitter. Criteria: Ambry Variant Classification Scheme 2023. Collection method: clinical testing. Allele origin: germline.
Comment: The c.2994G>C (p.L998F) alteration is located in exon 3 (coding exon 2) of the ASH1L gene. This alteration results from a G to C substitution at nucleotide position 2994, causing the leucine (L) at amino acid position 998 to be replaced by a phenylalanine (F). This variant was not reported in population-based cohorts in the Genome Aggregation Database (gnomAD). This amino acid position is highly conserved in available vertebrate species. The in silico prediction for this alteration is inconclusive. Based on insufficient or conflicting evidence, the clinical significance of this alteration remains unclear.

NM_018489.3(ASH1L):c.2994G>C (p.Leu998Phe)

Gene: ASH1L (ASH1 like histone lysine methyltransferase; minus strand). Cytogenetic location: 1q22.
Variant type: single nucleotide variant.
Coding change: c.2994G>C on transcript NM_018489.3 (MANE Select); coding-DNA position 2994, G replaced by C.
Protein change: p.Leu998Phe; replaces leucine 998 with phenylalanine.
Molecular consequence: missense variant.
Genome position (GRCh38, 1-based): chr1:155,479,876, C>G on the plus strand (G>C on the coding strand, the complement: ASH1L is on the minus strand). VCF-style: chr1-155479876-C-G. GRCh37 (hg19) VCF-style: chr1-155449667-C-G.
Other names: c.2994G>C, p.Leu998Phe (NM_001366177.2); short protein forms L998F.
Identifiers: ClinVar variation 2209260 (VCV002209260.3), dbSNP rs2527171444, ClinGen allele CA342716481.